The following is an entry in ClinVar:

NM_006744.4(RBP4):c.172A>G (p.Asn58Asp)

Gene: RBP4 (retinol binding protein 4; minus strand). Cytogenetic location: 10q23.33.
Variant type: single nucleotide variant.
Coding change: c.172A>G on transcript NM_006744.4 (MANE Select); coding-DNA position 172, A replaced by G.
Protein change: p.Asn58Asp; replaces asparagine 58 with aspartic acid.
Molecular consequence: missense variant.
Genome position (GRCh38, 1-based): chr10:93,600,743, T>C on the plus strand (A>G on the coding strand, the complement: RBP4 is on the minus strand). VCF-style: chr10-93600743-T-C. GRCh37 (hg19) VCF-style: chr10-95360500-T-C.
Other names: c.172A>G, p.Asn58Asp (NM_001323517.1); c.166A>G, p.Asn56Asp (NM_001323518.2); short protein forms N56D, N58D.
Identifiers: ClinVar variation 4765894 (VCV004765894.1).

ClinVar aggregate classification (germline): Uncertain significance (1 of 4 stars; one submission).

gnomAD v4.1: 7 of 1,611,660 alleles (0.00043%); highest among the groups gnomAD compares: African/African-American, 0.0067%; no homozygotes.

Submission:

Labcorp Genetics (formerly Invitae), Labcorp
Classification: Uncertain significance. Last evaluated: 2025-10-06. Review status: criteria provided, single submitter. Criteria: Invitae Variant Classification Sherloc (09022015). Collection method: clinical testing. Allele origin: germline.
Comment: This sequence change replaces asparagine, which is neutral and polar, with aspartic acid, which is acidic and polar, at codon 58 of the RBP4 protein (p.Asn58Asp). This variant is not present in population databases (gnomAD no frequency). This variant has not been reported in the literature in individuals affected with RBP4-related conditions. An algorithm developed to predict the effect of missense changes on protein structure and function (PolyPhen-2) suggests that this variant is likely to be tolerated. In summary, the available evidence is currently insufficient to determine the role of this variant in disease. Therefore, it has been classified as a Variant of Uncertain Significance.